The following continues an entry in ClinVar:

NM_005359.6(SMAD4):c.1086T>C (p.Phe362=)

Gene: SMAD4. ClinVar aggregate classification (germline): Benign/Likely benign. Benign (15); Likely benign (7).

Submissions 21 to 29 of 29:

GeneDx
Classification: Benign. Last evaluated: 2013-12-26. Review status: criteria provided, single submitter. Criteria: GeneDx Variant Classification (06012015). Collection method: clinical testing. Allele origin: germline. Affected: yes.
Comment: This variant is considered likely benign or benign based on one or more of the following criteria: it is a conservative change, it occurs at a poorly conserved position in the protein, it is predicted to be benign by multiple in silico algorithms, and/or has population frequency not consistent with disease.

Breakthrough Genomics
Classification: Likely benign. Review status: criteria provided, single submitter. Criteria: ACMG Guidelines, 2015. Collection method: not provided. Allele origin: germline. Inheritance: Autosomal dominant inheritance. Affected: yes.

True Health Diagnostics
Classification: Likely benign for Hereditary cancer-predisposing syndrome. Last evaluated: 2017-10-10. Review status: no assertion criteria provided. Collection method: clinical testing. Allele origin: germline. Not counted in ClinVar's aggregate classification.

Clinical Genetics DNA and cytogenetics Diagnostics Lab, Erasmus MC, Erasmus Medical Center
Classification: Likely benign. Review status: no assertion criteria provided. Collection method: clinical testing. Allele origin: germline. Affected: yes. Study: VKGL Data-share Consensus. Not counted in ClinVar's aggregate classification.

Clinical Genetics, Academic Medical Center
Classification: Benign. Review status: no assertion criteria provided. Collection method: clinical testing. Allele origin: germline. Affected: yes. Study: VKGL Data-share Consensus. Not counted in ClinVar's aggregate classification.

Department of Pathology and Laboratory Medicine, Sinai Health System
Classification: Likely benign for Generalized juvenile polyposis/juvenile polyposis coli. Review status: no assertion criteria provided. Collection method: clinical testing. Allele origin: unknown. Affected: yes. Study: The Canadian Open Genetics Repository (COGR). Not counted in ClinVar's aggregate classification.
Comment: The SMAD4 p.Phe362= variant was identified in 2 of 1004 proband chromosomes (frequency: 0.002) from individuals or families with gastric or breast cancer and was present in 1 of 1420 control chromosomes (frequency: 0.001) from healthy individuals (Oliveira 2003, Tram 2011). The variant was also identified in dbSNP (ID: rs1801250) as "With other allele", ClinVar (classified as benign by Invitae, GeneDx, Color and ARUP; and as likely benign by Ambry Genetics and two other submitters), and in LOVD 3.0 (3x as benign or likely benign). The variant was identified in control databases in 502 of 277188 chromosomes (3 homozygous) at a frequency of 0.002, increasing the likelihood this could be a low frequency benign variant (Genome Aggregation Database Feb 27, 2017). The variant was observed in the following populations: African in 84 of 24028 chromosomes (freq: 0.003), Other in 28 of 6466 chromosomes (freq: 0.004), Latino in 103 of 34412 chromosomes (freq: 0.003), European in 133 of 126694 chromosomes (freq: 0.001), Ashkenazi Jewish in 149 of 10150 chromosomes (freq: 0.02), and South Asian in 5 of 30782 chromosomes (freq: 0.0002), while the variant was not observed in the East Asian or Finnish populations. The p.Phe362= variant is not expected to have clinical significance because it does not result in a change of amino acid and is not located in a known consensus splice site. In addition, in silico or computational prediction software programs (SpliceSiteFinder, MaxEntScan, NNSPLICE, GeneSplicer) do not predict a difference in splicing. In summary, based on the above information, the clinical significance of this variant cannot be determined with certainty at this time although we would lean towards a more benign role for this variant. This variant is classified as likely benign.

Genome Diagnostics Laboratory, Amsterdam University Medical Center
Classification: Benign. Review status: no assertion criteria provided. Collection method: clinical testing. Allele origin: germline. Affected: yes. Study: VKGL Data-share Consensus. Not counted in ClinVar's aggregate classification.

Joint Genome Diagnostic Labs from Nijmegen and Maastricht, Radboudumc and MUMC+
Classification: Likely benign. Review status: no assertion criteria provided. Collection method: clinical testing. Allele origin: germline. Affected: yes. Study: VKGL Data-share Consensus. Not counted in ClinVar's aggregate classification.

Mayo Clinic Laboratories, Mayo Clinic
Classification: Likely benign. Review status: no assertion criteria provided. Collection method: clinical testing. Allele origin: unknown. Not counted in ClinVar's aggregate classification.

Literature cited by the submitters: PubMed 15288293 (cited by Quest Diagnostics Nichols Institute San Juan Capistrano and Women's Health and Genetics/Laboratory Corporation of America, LabCorp); PubMed 10790223 (cited by Quest Diagnostics Nichols Institute San Juan Capistrano and Women's Health and Genetics/Laboratory Corporation of America, LabCorp); PubMed 21835029 (cited by Quest Diagnostics Nichols Institute San Juan Capistrano and Women's Health and Genetics/Laboratory Corporation of America, LabCorp); PubMed 25695693 (cited by Quest Diagnostics Nichols Institute San Juan Capistrano and Women's Health and Genetics/Laboratory Corporation of America, LabCorp); PubMed 24465802 (cited by Quest Diagnostics Nichols Institute San Juan Capistrano and Women's Health and Genetics/Laboratory Corporation of America, LabCorp).